The following is an entry in ClinVar:

NM_003737.4(DCHS1):c.3832C>G (p.Pro1278Ala)

Gene: DCHS1 (dachsous cadherin-related 1; minus strand). Cytogenetic location: 11p15.4.
Variant type: single nucleotide variant.
Coding change: c.3832C>G on transcript NM_003737.4 (MANE Select); coding-DNA position 3832, C replaced by G.
Protein change: p.Pro1278Ala; replaces proline 1278 with alanine.
Molecular consequence: missense variant.
Genome position (GRCh38, 1-based): chr11:6,631,151, G>C on the plus strand (C>G on the coding strand, the complement: DCHS1 is on the minus strand). VCF-style: chr11-6631151-G-C. GRCh37 (hg19) VCF-style: chr11-6652382-G-C.
Other names: short protein forms P1278A.
Identifiers: ClinVar variation 2469384 (VCV002469384.6), dbSNP rs751702644, ClinGen allele CA5860414.

ClinVar aggregate classification (germline): Uncertain significance. Review status: criteria provided, multiple submitters, no conflicts (2 of 4 stars). 2 submissions from 2 submitters: Uncertain significance (2). Last evaluated 2025-04-28.

Conditions:
Inborn genetic diseases. Identifiers: MedGen C0950123, MeSH D030342.

Allele frequency attached by ClinVar (database versions not stated): gnomAD 0.00002; TOPMed 0.00002.

Submissions (2):

Ambry Genetics
Classification: Uncertain significance for Inborn genetic diseases. Last evaluated: 2025-04-28. Review status: criteria provided, single submitter. Criteria: Ambry Variant Classification Scheme 2023. Collection method: clinical testing. Allele origin: germline.

Labcorp Genetics (formerly Invitae), Labcorp
Classification: Uncertain significance. Last evaluated: 2023-05-24. Review status: criteria provided, single submitter. Criteria: Invitae Variant Classification Sherloc (09022015). Collection method: clinical testing. Allele origin: germline.
Comment: In summary, the available evidence is currently insufficient to determine the role of this variant in disease. Therefore, it has been classified as a Variant of Uncertain Significance. Advanced modeling of protein sequence and biophysical properties (such as structural, functional, and spatial information, amino acid conservation, physicochemical variation, residue mobility, and thermodynamic stability) performed at Invitae indicates that this missense variant is expected to disrupt DCHS1 protein function. ClinVar contains an entry for this variant (Variation ID: 2469384). This variant has not been reported in the literature in individuals affected with DCHS1-related conditions. This variant is present in population databases (rs751702644, gnomAD 0.1%). This sequence change replaces proline, which is neutral and non-polar, with alanine, which is neutral and non-polar, at codon 1278 of the DCHS1 protein (p.Pro1278Ala).